The following is an entry in ClinVar:

ClinVar aggregate classification (germline): Uncertain significance (1 of 4 stars; one submission).

Submission:

CeGaT Center for Human Genetics Tuebingen
Classification: Uncertain significance. Last evaluated: 2025-04-01. Review status: criteria provided, single submitter. Criteria: CeGaT Center For Human Genetics Tuebingen Variant Classification Criteria Version 2. Collection method: clinical testing. Allele origin: germline. Affected: yes. Observed: 1 variant allele.
Comment: BCOR: PM2, PP2

NM_001123385.2(BCOR):c.3020G>T (p.Ser1007Ile)

Gene: BCOR (BCL6 corepressor; minus strand). Cytogenetic location: Xp11.4.
Variant type: single nucleotide variant.
Coding change: c.3020G>T on transcript NM_001123385.2 (MANE Select); coding-DNA position 3020, G replaced by T.
Protein change: p.Ser1007Ile; replaces serine 1007 with isoleucine.
Molecular consequence: missense variant. On other transcripts: intron variant (1).
Genome position (GRCh38, 1-based): chrX:40,071,668, C>A on the plus strand (G>T on the coding strand, the complement: BCOR is on the minus strand). VCF-style: chrX-40071668-C-A. GRCh37 (hg19) VCF-style: chrX-39930921-C-A.
Other names: c.3020G>T, p.Ser1007Ile (NM_001123383.2, NM_017745.6); c.2998-509G>T (NM_001123384.2); short protein forms S1007I.
Identifiers: ClinVar variation 3898484 (VCV003898484.7).